The following is an entry in ClinVar:

ClinVar aggregate classification (germline): Uncertain significance (1 of 4 stars; one submission).

gnomAD v4.1: 1 of 1,613,786 alleles (0.000062%); highest among the groups gnomAD compares: African/African-American, 0.0013%; no homozygotes.

Submission:

Labcorp Genetics (formerly Invitae), Labcorp
Classification: Uncertain significance. Last evaluated: 2025-05-12. Review status: criteria provided, single submitter. Criteria: Invitae Variant Classification Sherloc (09022015). Collection method: clinical testing. Allele origin: germline.
Comment: This sequence change replaces arginine, which is basic and polar, with proline, which is neutral and non-polar, at codon 136 of the RP1L1 protein (p.Arg136Pro). This variant is present in population databases (rs189960401, gnomAD 0.007%). This variant has not been reported in the literature in individuals affected with RP1L1-related conditions. ClinVar contains an entry for this variant (Variation ID: 3679619). Invitae Evidence Modeling of protein sequence and biophysical properties (such as structural, functional, and spatial information, amino acid conservation, physicochemical variation, residue mobility, and thermodynamic stability) indicates that this missense variant is not expected to disrupt RP1L1 protein function with a negative predictive value of 80%. In summary, the available evidence is currently insufficient to determine the role of this variant in disease. Therefore, it has been classified as a Variant of Uncertain Significance.

NM_178857.6(RP1L1):c.407G>C (p.Arg136Pro)

Gene: RP1L1 (RP1 like 1). Cytogenetic location: 8p23.1.
Variant type: single nucleotide variant.
Coding change: c.407G>C on transcript NM_178857.6 (MANE Select); coding-DNA position 407, G replaced by C.
Protein change: p.Arg136Pro; replaces arginine 136 with proline.
Molecular consequence: missense variant.
Genome position (GRCh38, 1-based): chr8:10,622,795, C>G on the plus strand (G>C on the coding strand, the complement: RP1L1 is on the minus strand). VCF-style: chr8-10622795-C-G. GRCh37 (hg19) VCF-style: chr8-10480305-C-G.
Other names: short protein forms R136P.
Identifiers: ClinVar variation 3679619 (VCV003679619.2).